The following is an entry in ClinVar:

NM_001080449.3(DNA2):c.2261A>C (p.Lys754Thr)

Gene: DNA2 (DNA replication helicase/nuclease 2; minus strand). Cytogenetic location: 10q21.3.
Variant type: single nucleotide variant.
Coding change: c.2261A>C on transcript NM_001080449.3 (MANE Select); coding-DNA position 2261, A replaced by C.
Protein change: p.Lys754Thr; replaces lysine 754 with threonine.
Molecular consequence: missense variant. On other transcripts: non-coding transcript variant (1).
Genome position (GRCh38, 1-based): chr10:68,422,838, T>G on the plus strand (A>C on the coding strand, the complement: DNA2 is on the minus strand). VCF-style: chr10-68422838-T-G. GRCh37 (hg19) VCF-style: chr10-70182595-T-G.
Other names: short protein forms K754T.
Identifiers: ClinVar variation 4746515 (VCV004746515.1).

ClinVar aggregate classification (germline): Uncertain significance (1 of 4 stars; one submission).

gnomAD v4.1: 1 of 1,608,860 alleles (0.000062%); highest among the groups gnomAD compares: Non-Finnish European, 0.000085%; no homozygotes.

Submission:

Labcorp Genetics (formerly Invitae), Labcorp
Classification: Uncertain significance. Last evaluated: 2025-05-17. Review status: criteria provided, single submitter. Criteria: Invitae Variant Classification Sherloc (09022015). Collection method: clinical testing. Allele origin: germline.
Comment: This sequence change replaces lysine, which is basic and polar, with threonine, which is neutral and polar, at codon 754 of the DNA2 protein (p.Lys754Thr). This variant is not present in population databases (gnomAD no frequency). This variant has not been reported in the literature in individuals affected with DNA2-related conditions. Invitae Evidence Modeling of protein sequence and biophysical properties (such as structural, functional, and spatial information, amino acid conservation, physicochemical variation, residue mobility, and thermodynamic stability) indicates that this missense variant is not expected to disrupt DNA2 protein function with a negative predictive value of 80%. In summary, the available evidence is currently insufficient to determine the role of this variant in disease. Therefore, it has been classified as a Variant of Uncertain Significance.